The following is an entry in ClinVar:

NM_024529.5(CDC73):c.1406T>A (p.Ile469Lys)

Gene: CDC73 (cell division cycle 73; plus strand). Cytogenetic location: 1q31.2.
Variant type: single nucleotide variant.
Coding change: c.1406T>A on transcript NM_024529.5 (MANE Select); coding-DNA position 1406, T replaced by A.
Protein change: p.Ile469Lys; replaces isoleucine 469 with lysine.
Molecular consequence: missense variant.
Genome position (GRCh38, 1-based): chr1:193,236,345, T>A. VCF-style: chr1-193236345-T-A. GRCh37 (hg19) VCF-style: chr1-193205475-T-A.
Other names: short protein forms I469K.
Identifiers: ClinVar variation 4223470 (VCV004223470.1).

ClinVar aggregate classification (germline): Uncertain significance (1 of 4 stars; one submission).

Conditions:
Hereditary cancer-predisposing syndrome. Also called: Hereditary Cancer Syndrome; Hereditary neoplastic syndrome; Neoplastic Syndromes, Hereditary; Tumor predisposition. Identifiers: Orphanet 140162, MedGen C0027672, MeSH D009386, MONDO:0015356.

Submission:

Ambry Genetics
Classification: Uncertain significance for Hereditary cancer-predisposing syndrome. Last evaluated: 2025-06-23. Review status: criteria provided, single submitter. Criteria: Ambry Variant Classification Scheme 2023. Collection method: clinical testing. Allele origin: germline.
Comment: The p.I469K variant (also known as c.1406T>A), located in coding exon 15 of the CDC73 gene, results from a T to A substitution at nucleotide position 1406. The isoleucine at codon 469 is replaced by lysine, an amino acid with dissimilar properties. This amino acid position is conserved. In addition, this alteration is predicted to be deleterious by in silico analysis. Based on the available evidence, the clinical significance of this variant remains unclear.